The following is an entry in ClinVar:

NM_020791.4(TAOK1):c.826T>G (p.Leu276Val)

Gene: TAOK1 (TAO kinase 1; plus strand). Cytogenetic location: 17q11.2.
Variant type: single nucleotide variant.
Coding change: c.826T>G on transcript NM_020791.4 (MANE Select); coding-DNA position 826, T replaced by G.
Protein change: p.Leu276Val; replaces leucine 276 with valine.
Molecular consequence: missense variant.
Genome position (GRCh38, 1-based): chr17:29,491,860, T>G. VCF-style: chr17-29491860-T-G. GRCh37 (hg19) VCF-style: chr17-27818878-T-G.
Other names: c.826T>G, p.Leu276Val (NM_025142.1); short protein forms L276V.
Identifiers: ClinVar variation 2575994 (VCV002575994.1), dbSNP rs2508230637, ClinGen allele CA399193372.

ClinVar aggregate classification (germline): Uncertain significance (1 of 4 stars; one submission).

Submission:

Institute for Clinical Genetics, University Hospital TU Dresden, University Hospital TU Dresden
Classification: Uncertain significance. Last evaluated: 2022-07-14. Review status: criteria provided, single submitter. Criteria: ACMG Guidelines, 2015. Collection method: clinical testing. Allele origin: germline.
Comment: PP3, PM2_SUP, PP2